The following is an entry in ClinVar:

NM_001256545.2(MEGF10):c.*2149G>A

Gene: MEGF10 (multiple EGF like domains 10; plus strand). Cytogenetic location: 5q23.2.
Variant type: single nucleotide variant.
Coding change: c.*2149G>A on transcript NM_001256545.2 (MANE Select); 2149 bases downstream of the stop codon, G replaced by A.
Molecular consequence: 3 prime UTR variant.
Genome position (GRCh38, 1-based): chr5:127,459,467, G>A. VCF-style: chr5-127459467-G-A. GRCh37 (hg19) VCF-style: chr5-126795159-G-A.
Other names: c.*2149G>A (NM_032446.3).
Identifiers: ClinVar variation 350700 (VCV000350700.5), dbSNP rs3756721, ClinGen allele CA10618942.
Genomic context (GRCh38, chr5:127,459,467, plus strand): 5'-AGGTGATAGGCATCTAATTGAGACATGTGTGAGTCAATAGCCATCGGGGTCCTTTTTGGT[G>A]AGAAGAAATAAGACATTTTCTCCCTTTTAAAGATCATCTCTTCAGAGCTGCATGGTAAAT-3'

ClinVar aggregate classification (germline): Benign (1 of 4 stars; one submission).

Conditions:
MEGF10-related myopathy (CMYO10A). Also called: Congenital myopathy 10A, severe variant. Identifiers: Orphanet 439212, MedGen C3280679, MONDO:0013731, OMIM 614399.

Allele frequency attached by ClinVar (database versions not stated): TOPMed 0.24150; gnomAD 0.24226 and 0.24708; 1000 Genomes Project 0.24581; 1000 Genomes Project 30x 0.24625; gnomAD exomes 0.50000.
gnomAD v4.1: 36,669 of 152,064 alleles (24%); highest among the groups gnomAD compares: African/African-American, 40%; 5,172 homozygotes.

Submission:

Illumina Laboratory Services, Illumina
Classification: Benign for MEGF10-related myopathy. Last evaluated: 2018-01-13. Review status: criteria provided, single submitter. Criteria: ICSL Variant Classification Criteria 13 December 2019. Collection method: clinical testing. Allele origin: germline.
Comment: This variant was observed in the ICSL laboratory as part of a predisposition screen in an ostensibly healthy population. It had not been previously curated by ICSL or reported in the Human Gene Mutation Database (HGMD: prior to June 1st, 2018), and was therefore a candidate for classification through an automated scoring system. Utilizing variant allele frequency, disease prevalence and penetrance estimates, and inheritance mode, an automated score was calculated to assess if this variant is too frequent to cause the disease. Based on the score and internal cut-off values, a variant classified as benign is not then subjected to further curation. The score for this variant resulted in a classification of benign for this disease.